The following is an entry in ClinVar:

NC_000002.11:g.(?_32474656)_(32481844_?)dup

Gene: NLRC4 (NLR family CARD domain containing 4; minus strand). Cytogenetic location: 2p22.3.
Variant type: Duplication.
Identifiers: ClinVar variation 1401595 (VCV001401595.5).

ClinVar aggregate classification (germline): Uncertain significance (1 of 4 stars; one submission).

Conditions:
Familial cold autoinflammatory syndrome 4 (FCAS4). Identifiers: Orphanet 47045, Orphanet 576349, MedGen C4015276, MONDO:0014498, OMIM 616115.
Periodic fever-infantile enterocolitis-autoinflammatory syndrome. Also called: Autoinflammation with infantile enterocolitis. Identifiers: Orphanet 436166, MedGen C4015067, MONDO:0014472, OMIM 616050.

Submission:

Labcorp Genetics (formerly Invitae), Labcorp
Classification: Uncertain significance for Periodic fever-infantile enterocolitis-autoinflammatory syndrome; Familial cold autoinflammatory syndrome 4. Last evaluated: 2022-10-05. Review status: criteria provided, single submitter. Criteria: Invitae Variant Classification Sherloc (09022015). Collection method: clinical testing. Allele origin: germline.
Comment: In summary, the available evidence is currently insufficient to determine the role of this variant in disease. Therefore, it has been classified as a Variant of Uncertain Significance. Experimental studies and prediction algorithms are not available or were not evaluated, and the functional significance of this variant is currently unknown. This variant has not been reported in the literature in individuals affected with NLRC4-related conditions. This variant results in a copy number gain of the genomic region encompassing exon(s) 2-4 of the NLRC4 gene. This region includes the initiator codon of the gene. This copy number gain extends beyond the assayed region for this gene and therefore may encompass additional genes. As the precise location of this event is unknown, it may be in tandem or it may be located elsewhere in the genome.